The following is an entry in ClinVar:

ClinVar aggregate classification (germline): Uncertain significance (1 of 4 stars; one submission).

gnomAD v4.1: 59 of 1,613,490 alleles (0.0037%); highest among the groups gnomAD compares: Admixed American, 0.005%; no homozygotes.

Submission:

Labcorp Genetics (formerly Invitae), Labcorp
Classification: Uncertain significance. Last evaluated: 2026-01-15. Review status: criteria provided, single submitter. Criteria: Invitae Variant Classification Sherloc (09022015). Collection method: clinical testing. Allele origin: germline.
Comment: This sequence change replaces proline, which is neutral and non-polar, with leucine, which is neutral and non-polar, at codon 1325 of the CNOT1 protein (p.Pro1325Leu). This variant is present in population databases (no rsID available, gnomAD 0.002%). This variant has not been reported in the literature in individuals affected with CNOT1-related conditions. ClinVar contains an entry for this variant (Variation ID: 3669721). An algorithm developed to predict the effect of missense changes on protein structure and function (PolyPhen-2) suggests that this variant is likely to be tolerated. In summary, the available evidence is currently insufficient to determine the role of this variant in disease. Therefore, it has been classified as a Variant of Uncertain Significance.

NM_016284.5(CNOT1):c.3989C>T (p.Pro1330Leu)

Gene: CNOT1 (CCR4-NOT transcription complex subunit 1; minus strand). Cytogenetic location: 16q21.
Variant type: single nucleotide variant.
Coding change: c.3989C>T on transcript NM_016284.5 (MANE Select); coding-DNA position 3989, C replaced by T.
Protein change: p.Pro1330Leu; replaces proline 1330 with leucine.
Molecular consequence: missense variant. On other transcripts: non-coding transcript variant (1).
Genome position (GRCh38, 1-based): chr16:58,546,338, G>A on the plus strand (C>T on the coding strand, the complement: CNOT1 is on the minus strand). VCF-style: chr16-58546338-G-A. GRCh37 (hg19) VCF-style: chr16-58580242-G-A.
Other names: c.3974C>T, p.Pro1325Leu (NM_001265612.2); c.3989C>T, p.Pro1330Leu (NM_206999.3); short protein forms P1325L, P1330L.
Identifiers: ClinVar variation 3669721 (VCV003669721.2).